The following is an entry in ClinVar:

NM_173598.6(KSR2):c.322-7C>T

Gene: KSR2 (kinase suppressor of ras 2; minus strand). Cytogenetic location: 12q24.23.
Variant type: single nucleotide variant.
Coding change: c.322-7C>T on transcript NM_173598.6 (MANE Select); 7 bases into the intron before coding-DNA position 322, C replaced by T.
Molecular consequence: intron variant.
Genome position (GRCh38, 1-based): chr12:117,855,585, G>A on the plus strand (C>T on the coding strand, the complement: KSR2 is on the minus strand). VCF-style: chr12-117855585-G-A. GRCh37 (hg19) VCF-style: chr12-118293390-G-A.
Identifiers: ClinVar variation 4989024 (VCV004989024.1).

ClinVar aggregate classification (germline): Likely benign (1 of 4 stars; one submission).

Conditions:
KSR2-related disorder. Also called: KSR2-related condition.

gnomAD v4.1: 7 of 1,613,880 alleles (0.00043%); highest among the groups gnomAD compares: African/African-American, 0.0013%; no homozygotes.

Submission:

PreventionGenetics, part of Exact Sciences
Classification: Likely benign for KSR2-related condition. Last evaluated: 2024-10-24. Review status: criteria provided, single submitter. Criteria: ACMG Guidelines, 2015. Collection method: clinical testing. Allele origin: germline.
Comment: This variant is classified as likely benign based on ACMG/AMP sequence variant interpretation guidelines (Richards et al. 2015 PMID: 25741868, with internal and published modifications).